The following is an entry in ClinVar:

ClinVar aggregate classification (germline): Uncertain significance (1 of 4 stars; one submission).

Conditions:
Sotos syndrome (SOTOS). Also called: Sotos' syndrome; CHROMOSOME 5q35 DELETION SYNDROME; SOTOS SYNDROME 1; Distinctive facial appearance, overgrowth in childhood, and learning disabilities or delayed development; CEREBRAL GIGANTISM. Identifiers: Orphanet 821, MedGen C0175695, MONDO:0019349, OMIM 117550.

Submission:

Baylor Genetics
Classification: Uncertain significance for Sotos syndrome. Last evaluated: 2019-05-09. Review status: criteria provided, single submitter. Criteria: ACMG Guidelines, 2015. Collection method: clinical testing. Allele origin: maternal. Affected: yes.
Comment: This variant was determined to be of uncertain significance according to ACMG Guidelines, 2015 [PMID:25741868].

NM_022455.5(NSD1):c.2051T>G (p.Ile684Arg)

Gene: NSD1 (nuclear receptor binding SET domain protein 1; plus strand). Cytogenetic location: 5q35.3.
Variant type: single nucleotide variant.
Coding change: c.2051T>G on transcript NM_022455.5 (MANE Select); coding-DNA position 2051, T replaced by G.
Protein change: p.Ile684Arg; replaces isoleucine 684 with arginine.
Molecular consequence: missense variant.
Genome position (GRCh38, 1-based): chr5:177,210,450, T>G. VCF-style: chr5-177210450-T-G. GRCh37 (hg19) VCF-style: chr5-176637451-T-G.
Other names: c.1178T>G, p.Ile393Arg (NM_001365684.2, NM_001409306.1, NM_001409307.1 and 3 more transcripts); c.2051T>G, p.Ile684Arg (NM_001409301.1, NM_001409302.1, NM_001409303.1); c.1631T>G, p.Ile544Arg (NM_001409304.1); c.1298T>G, p.Ile433Arg (NM_001409305.1); short protein forms I415R, I684R, I433R, I393R, I544R.
Identifiers: ClinVar variation 1028262 (VCV001028262.2), dbSNP rs1281302772, ClinGen allele CA362313450.